The following is an entry in ClinVar:

NM_004946.3(DOCK2):c.2635G>A (p.Val879Ile)

Gene: DOCK2 (dedicator of cytokinesis 2; plus strand). Cytogenetic location: 5q35.1.
Variant type: single nucleotide variant.
Coding change: c.2635G>A on transcript NM_004946.3 (MANE Select); coding-DNA position 2635, G replaced by A.
Protein change: p.Val879Ile; replaces valine 879 with isoleucine.
Molecular consequence: missense variant. On other transcripts: non-coding transcript variant (1).
Genome position (GRCh38, 1-based): chr5:169,803,138, G>A. VCF-style: chr5-169803138-G-A. GRCh37 (hg19) VCF-style: chr5-169230142-G-A.
Other names: short protein forms V879I.
Identifiers: ClinVar variation 857078 (VCV000857078.8), dbSNP rs150884555, ClinGen allele CA3553806.
Genomic context (GRCh38, chr5:169,803,138, plus strand): 5'-CCTGTCATCACCAAAGAGCTGAAGGAGCTGCTGGAGCAGAAGGATGACATGCAACACCAG[G>A]TCCTGGAGAGGAAGTACTGCGTTGAATTGCTCAACAGCATCTTGGAAGTCCTTAGCTACC-3'
Protein context (NP_004937.1, residues 869-889): LEQKDDMQHQ[Val879Ile]LERKYCVELL

ClinVar aggregate classification (germline): Uncertain significance. Review status: criteria provided, multiple submitters, no conflicts (2 of 4 stars). 3 submissions from 3 submitters: Uncertain significance (3). Last evaluated 2022-08-16.

Conditions:
Inborn genetic diseases. Identifiers: MedGen C0950123, MeSH D030342.
DOCK2 deficiency. Also called: Immunodeficiency 40. Identifiers: Orphanet 447737, MedGen C4225328, MONDO:0014637, OMIM 616433.

Allele frequency attached by ClinVar (database versions not stated): gnomAD exomes 0.00011 and 0.00023; gnomAD 0.00013 and 0.00014; ESP Exome Variant Server 0.00015; 1000 Genomes Project 30x 0.00016; ExAC 0.00016; TOPMed 0.00016; 1000 Genomes Project 0.00020.
gnomAD v4.1: 192 of 1,614,188 alleles (0.012%); highest among the groups gnomAD compares: Admixed American, 0.05%; 1 homozygote.

Submissions (3):

Labcorp Genetics (formerly Invitae), Labcorp
Classification: Uncertain significance for DOCK2 deficiency. Last evaluated: 2022-08-16. Review status: criteria provided, single submitter. Criteria: Invitae Variant Classification Sherloc (09022015). Collection method: clinical testing. Allele origin: germline.
Comment: This sequence change replaces valine, which is neutral and non-polar, with isoleucine, which is neutral and non-polar, at codon 879 of the DOCK2 protein (p.Val879Ile). This variant is present in population databases (rs150884555, gnomAD 0.2%). This variant has not been reported in the literature in individuals affected with DOCK2-related conditions. ClinVar contains an entry for this variant (Variation ID: 857078). Algorithms developed to predict the effect of missense changes on protein structure and function are either unavailable or do not agree on the potential impact of this missense change (SIFT: "Deleterious"; PolyPhen-2: "Benign"; Align-GVGD: "Class C0"). In summary, the available evidence is currently insufficient to determine the role of this variant in disease. Therefore, it has been classified as a Variant of Uncertain Significance.

Ambry Genetics
Classification: Uncertain significance for Inborn genetic diseases. Last evaluated: 2021-11-05. Review status: criteria provided, single submitter. Criteria: Ambry Variant Classification Scheme 2023. Collection method: clinical testing. Allele origin: germline.

Revvity Omics, Revvity
Classification: Uncertain significance for DOCK2 deficiency. Last evaluated: 2020-02-19. Review status: criteria provided, single submitter. Criteria: ACMG Guidelines, 2015. Collection method: clinical testing. Allele origin: germline.